The following is an entry in ClinVar:

NM_014244.5(ADAMTS2):c.3551C>T (p.Pro1184Leu)

Gene: ADAMTS2 (ADAM metallopeptidase with thrombospondin type 1 motif 2; minus strand). Cytogenetic location: 5q35.3.
Variant type: single nucleotide variant.
Coding change: c.3551C>T on transcript NM_014244.5 (MANE Select); coding-DNA position 3551, C replaced by T.
Protein change: p.Pro1184Leu; replaces proline 1184 with leucine.
Molecular consequence: missense variant.
Genome position (GRCh38, 1-based): chr5:179,113,952, G>A on the plus strand (C>T on the coding strand, the complement: ADAMTS2 is on the minus strand). VCF-style: chr5-179113952-G-A. GRCh37 (hg19) VCF-style: chr5-178540953-G-A.
Other names: p.Pro1184Leu; short protein forms P1184L.
Identifiers: ClinVar variation 451540 (VCV000451540.19), dbSNP rs150989902, ClinGen allele CA3595203.
Genomic context (GRCh38, chr5:179,113,952, plus strand): 5'-TTCCGCATCTCATCAATGAGCTCTTGGATTCTTTGGTTTCTGGTCTTTTCATAGGGGCTC[G>A]GTCGTCGAGGGATTAGGTTGGGTGGCTGGACTTCATCTTCCAGGCCATGGATTTTGTAGG-3'
Protein context (NP_055059.2, residues 1174-1194): VQPPNLIPRR[Pro1184Leu]SPYEKTRNQR

ClinVar aggregate classification (germline): Conflicting classifications of pathogenicity. Review status: criteria provided, conflicting classifications (1 of 4 stars). 5 submissions from 5 submitters: Uncertain significance (1); Likely benign (3). 1 of the submissions does not count toward it. Last evaluated 2026-02-02.

Conditions:
Ehlers-Danlos syndrome, dermatosparaxis type. Also called: Dermatosparaxis; Ehlers-Danlos syndrome, type VII, autosomal recessive; EDS VIIC. Identifiers: Orphanet 1901, MedGen C2700425, MONDO:0009161, OMIM 225410.

Allele frequency attached by ClinVar (database versions not stated): gnomAD exomes 0.00011; ESP Exome Variant Server 0.00015; TOPMed 0.00015.
gnomAD v4.1: 205 of 1,613,964 alleles (0.013%); highest among the groups gnomAD compares: South Asian, 0.0077%; 1 homozygote.

Submissions (5):

Women's Health and Genetics/Laboratory Corporation of America, LabCorp
Classification: Likely benign. Last evaluated: 2026-02-02. Review status: criteria provided, single submitter. Criteria: LabCorp Variant Classification Summary - May 2015. Collection method: clinical testing. Allele origin: germline.
Comment: Variant summary: ADAMTS2 c.3551C>T (p.Pro1184Leu) results in a non-conservative amino acid change in the encoded protein sequence. Algorithms developed to predict the effect of missense changes on protein structure and function are either unavailable or do not agree on the potential impact of this missense change. The variant allele was found at a frequency of 0.00013 in 1613964 control chromosomes, predominantly at a frequency of 0.0046 within the Ashkenazi Jewish subpopulation in the gnomAD database, including 1 homozygote. The observed variant frequency within Ashkenazi Jewish control individuals in the gnomAD database exceeds the estimated maximal expected allele frequency for disease-causing variants in ADAMTS2. c.3551C>T has been observed in one unspecified individual affected with childhood glaucoma, without strong evidence for causality (example: Tevar_2024). This report does not provide unequivocal conclusions about association of the variant with Ehlers-Danlos Syndrome, Type VIIC (Dermatosparaxis). To our knowledge, no experimental evidence demonstrating an impact on protein function has been reported. The following publication has been ascertained in the context of this evaluation (PMID: 38891949). ClinVar contains an entry for this variant (Variation ID: 451540). Based on the evidence outlined above, the variant was classified as likely benign.

Labcorp Genetics (formerly Invitae), Labcorp
Classification: Likely benign for Ehlers-Danlos syndrome, dermatosparaxis type. Last evaluated: 2026-01-20. Review status: criteria provided, single submitter. Criteria: Invitae Variant Classification Sherloc (09022015). Collection method: clinical testing. Allele origin: germline.

Mayo Clinic Laboratories, Mayo Clinic
Classification: Likely benign. Last evaluated: 2025-10-10. Review status: criteria provided, single submitter. Criteria: ACMG Guidelines, 2015. Collection method: clinical testing. Allele origin: germline. Observed: 2 variant alleles.
Comment: BS1, BP4_moderate

GeneDx
Classification: Uncertain significance. Last evaluated: 2020-09-16. Review status: criteria provided, single submitter. Criteria: GeneDx Variant Classification Process June 2021. Collection method: clinical testing. Allele origin: germline. Affected: yes.
Comment: Has not been previously published as pathogenic or benign to our knowledge

Natera, Inc.
Classification: Likely benign for Ehlers-Danlos syndrome type VIIC. Last evaluated: 2020-05-01. Review status: no assertion criteria provided. Collection method: clinical testing. Allele origin: germline. Not counted in ClinVar's aggregate classification.

Literature cited by the submitters: PubMed 38891949 (cited by Women's Health and Genetics/Laboratory Corporation of America, LabCorp).